The following is an entry in ClinVar:

ClinVar aggregate classification (germline): Uncertain significance (1 of 4 stars; one submission).

Submission:

Labcorp Genetics (formerly Invitae), Labcorp
Classification: Uncertain significance. Last evaluated: 2025-11-03. Review status: criteria provided, single submitter. Criteria: Invitae Variant Classification Sherloc (09022015). Collection method: clinical testing. Allele origin: germline.
Comment: This sequence change replaces threonine, which is neutral and polar, with lysine, which is basic and polar, at codon 328 of the COL11A1 protein (p.Thr328Lys). This variant is not present in population databases (gnomAD no frequency). This variant has not been reported in the literature in individuals affected with COL11A1-related conditions. ClinVar contains an entry for this variant (Variation ID: 1060215). Invitae Evidence Modeling of protein sequence and biophysical properties (such as structural, functional, and spatial information, amino acid conservation, physicochemical variation, residue mobility, and thermodynamic stability) indicates that this missense variant is not expected to disrupt COL11A1 protein function with a negative predictive value of 95%. In summary, the available evidence is currently insufficient to determine the role of this variant in disease. Therefore, it has been classified as a Variant of Uncertain Significance.

NM_001854.4(COL11A1):c.983C>A (p.Thr328Lys)

Gene: COL11A1 (collagen type XI alpha 1 chain; minus strand). Cytogenetic location: 1p21.1.
Variant type: single nucleotide variant.
Coding change: c.983C>A on transcript NM_001854.4 (MANE Select); coding-DNA position 983, C replaced by A.
Protein change: p.Thr328Lys; replaces threonine 328 with lysine.
Molecular consequence: missense variant. On other transcripts: non-coding transcript variant (1), intron variant (1).
Genome position (GRCh38, 1-based): chr1:103,025,528, G>T on the plus strand (C>A on the coding strand, the complement: COL11A1 is on the minus strand). VCF-style: chr1-103025528-G-T. GRCh37 (hg19) VCF-style: chr1-103491084-G-T.
Other names: c.866C>A, p.Thr289Lys (NM_001190709.2); c.1019C>A, p.Thr340Lys (NM_080629.3); c.897+688C>A (NM_080630.4); short protein forms T289K, T328K, T340K.
Identifiers: ClinVar variation 1060215 (VCV001060215.9), dbSNP rs1157354380, ClinGen allele CA341155443.